The following is an entry in ClinVar:

NM_000307.5(POU3F4):c.160G>A (p.Gly54Arg)

Gene: POU3F4 (POU class 3 homeobox 4; plus strand). Cytogenetic location: Xq21.1.
Variant type: single nucleotide variant.
Coding change: c.160G>A on transcript NM_000307.5 (MANE Select); coding-DNA position 160, G replaced by A.
Protein change: p.Gly54Arg; replaces glycine 54 with arginine.
Molecular consequence: missense variant.
Genome position (GRCh38, 1-based): chrX:83,508,484, G>A. VCF-style: chrX-83508484-G-A. GRCh37 (hg19) VCF-style: chrX-82763492-G-A.
Other names: short protein forms G54R.
Identifiers: ClinVar variation 4847247 (VCV004847247.1).
Genomic context (GRCh38, chrX:83,508,484, plus strand): 5'-CCTCAGAAACTTCTCCAAAGTGATTACTTGCAGGGAGTTCCCAGCAATGGGCATCCCCTC[G>A]GGCATCACTGGGTGACCAGTCTGAGCGACGGGGGCCCATGGTCCTCCACACTGGCCACCA-3'
Protein context (NP_000298.3, residues 44-64): QGVPSNGHPL[Gly54Arg]HHWVTSLSDG

ClinVar aggregate classification (germline): Uncertain significance (1 of 4 stars; one submission).

gnomAD v4.1: 7 of 1,206,467 alleles (0.00058%); highest among the groups gnomAD compares: Admixed American, 0.013%; no homozygotes.

Submission:

Women's Health and Genetics/Laboratory Corporation of America, LabCorp
Classification: Uncertain significance. Last evaluated: 2026-03-13. Review status: criteria provided, single submitter. Criteria: LabCorp Variant Classification Summary - May 2015. Collection method: clinical testing. Allele origin: germline.
Comment: Variant summary: POU3F4 c.160G>A (p.Gly54Arg) results in a non-conservative amino acid change in the encoded protein sequence. Algorithms developed to predict the effect of missense changes on protein structure and function all suggest that this variant is likely to be disruptive. The variant allele was found at a frequency of 3e-05 in 168813 control chromosomes. The available data on variant occurrences in the general population are insufficient to allow any conclusion about variant significance. To our knowledge, no occurrence of c.160G>A in individuals affected with POU3F4-related conditions and no experimental evidence demonstrating its impact on protein function have been reported. No submitters have cited clinical-significance assessments for this variant to ClinVar. Based on the evidence outlined above, the variant was classified as uncertain significance.